The following is an entry in ClinVar:

ClinVar aggregate classification (germline): Uncertain significance. Review status: criteria provided, multiple submitters, no conflicts (2 of 4 stars). 3 submissions from 3 submitters: Uncertain significance (2). 1 of the submissions does not count toward it. Last evaluated 2024-07-19.

Conditions:
Short-rib thoracic dysplasia 10 with or without polydactyly (SRTD10). Identifiers: Orphanet 474, MedGen C3810175, MONDO:0014284, OMIM 615630.
Retinitis pigmentosa 71 (RP71). Identifiers: Orphanet 791, MedGen C4225342, MONDO:0014618, OMIM 616394.
Bardet-Biedl syndrome 20. Identifiers: MedGen C4310707, MONDO:0023670, OMIM 619471, MONDO:0014926.
IFT172-related disorder. Also called: IFT172-related condition; IFT172-related disorders.

gnomAD v4.1: 52 of 1,612,408 alleles (0.0032%); highest among the groups gnomAD compares: Non-Finnish European, 0.0042%; no homozygotes.

Submissions (3):

Blueprint Genetics
Classification: Uncertain significance. Last evaluated: 2024-07-19. Review status: criteria provided, single submitter. Criteria: ACMG Guidelines, 2015. Collection method: clinical testing. Allele origin: germline.

Fulgent Genetics
Classification: Uncertain significance for Short-rib thoracic dysplasia 10 with or without polydactyly; Retinitis pigmentosa 71; Bardet-Biedl syndrome 20. Last evaluated: 2024-05-09. Review status: criteria provided, single submitter. Criteria: ACMG Guidelines, 2015. Collection method: clinical testing. Allele origin: germline.

PreventionGenetics, part of Exact Sciences
Classification: Uncertain significance for IFT172-related condition. Last evaluated: 2024-07-10. Review status: no assertion criteria provided. Collection method: clinical testing. Allele origin: germline. Not counted in ClinVar's aggregate classification.
Comment: The IFT172 c.4969C>T variant is predicted to result in the amino acid substitution p.Arg1657Trp. To our knowledge, this variant has not been reported in the literature. This variant is reported in 0.0045% of alleles in individuals of European (Non-Finnish) descent in gnomAD. At this time, the clinical significance of this variant is uncertain due to the absence of conclusive functional and genetic evidence.

NM_015662.3(IFT172):c.4969C>T (p.Arg1657Trp)

Genes: KRTCAP3 (keratinocyte associated protein 3; plus strand), IFT172 (intraflagellar transport 172; minus strand). Cytogenetic location: 2p23.3.
Variant type: single nucleotide variant.
Coding change: c.4969C>T on transcript NM_015662.3 (MANE Select); coding-DNA position 4969, C replaced by T.
Protein change: p.Arg1657Trp; replaces arginine 1657 with tryptophan.
Molecular consequence: missense variant. On other transcripts: intron variant (1).
Genome position (GRCh38, 1-based): chr2:27,445,395, G>A on the plus strand (C>T on the coding strand, the complement: IFT172 is on the minus strand). VCF-style: chr2-27445395-G-A. GRCh37 (hg19) VCF-style: chr2-27668262-G-A.
Other names: c.4903C>T, p.Arg1635Trp (NM_001410739.1); c.*6-906G>A (NM_001168364.2); short protein forms R1635W, R1657W.
Identifiers: ClinVar variation 3348388 (VCV003348388.3).